The following is an entry in ClinVar:

ClinVar aggregate classification (germline): Uncertain significance. Review status: criteria provided, multiple submitters, no conflicts (2 of 4 stars). 2 submissions from 2 submitters: Uncertain significance (2). Last evaluated 2025-10-21.

Conditions:
Inborn genetic diseases. Identifiers: MedGen C0950123, MeSH D030342.

Allele frequency attached by ClinVar (database versions not stated): gnomAD 0.00003; TOPMed 0.00007; 1000 Genomes Project 30x 0.00016; 1000 Genomes Project 0.00020; ExAC 0.00001; gnomAD exomes 0.00001.
gnomAD v4.1: 8 of 1,614,048 alleles (0.0005%); highest among the groups gnomAD compares: Admixed American, 0.013%; no homozygotes.

Submissions (2):

GeneDx
Classification: Uncertain significance. Last evaluated: 2025-10-21. Review status: criteria provided, single submitter. Criteria: GeneDx Variant Classification Process June 2021. Collection method: clinical testing. Allele origin: germline. Affected: yes.
Comment: In silico analysis indicates that this missense variant does not alter protein structure/function; Has not been previously published as pathogenic or benign to our knowledge

Ambry Genetics
Classification: Uncertain significance for Inborn genetic diseases. Last evaluated: 2021-10-06. Review status: criteria provided, single submitter. Criteria: Ambry Variant Classification Scheme 2023. Collection method: clinical testing. Allele origin: germline.

NM_001102401.4(TTI2):c.446C>T (p.Pro149Leu)

Gene: TTI2 (TELO2 interacting protein 2; minus strand). Cytogenetic location: 8p12.
Variant type: single nucleotide variant.
Coding change: c.446C>T on transcript NM_001102401.4 (MANE Select); coding-DNA position 446, C replaced by T.
Protein change: p.Pro149Leu; replaces proline 149 with leucine.
Molecular consequence: missense variant.
Genome position (GRCh38, 1-based): chr8:33,512,168, G>A on the plus strand (C>T on the coding strand, the complement: TTI2 is on the minus strand). VCF-style: chr8-33512168-G-A. GRCh37 (hg19) VCF-style: chr8-33369686-G-A.
Other names: c.446C>T, p.Pro149Leu (NM_001265581.2, NM_001330505.3, NM_025115.5); c.446C>T (NM_001102401.2); short protein forms P149L.
Identifiers: ClinVar variation 2253698 (VCV002253698.3), dbSNP rs550248694, ClinGen allele CA4707346.